The following is an entry in ClinVar:

NM_001041.4(SI):c.5247G>A (p.Gln1749=)

Gene: SI (sucrase-isomaltase; minus strand). Cytogenetic location: 3q26.1.
Variant type: single nucleotide variant.
Coding change: c.5247G>A on transcript NM_001041.4 (MANE Select); coding-DNA position 5247, G replaced by A.
Protein change: p.Gln1749=; no amino-acid change (glutamine 1749 retained).
Molecular consequence: synonymous variant.
Genome position (GRCh38, 1-based): chr3:164,983,002, C>T on the plus strand (G>A on the coding strand, the complement: SI is on the minus strand). VCF-style: chr3-164983002-C-T. GRCh37 (hg19) VCF-style: chr3-164700790-C-T.
Identifiers: ClinVar variation 2123641 (VCV002123641.1), dbSNP rs2473302404, ClinGen allele CA436813629.

ClinVar aggregate classification (germline): Uncertain significance (1 of 4 stars; one submission).

Allele frequency attached by ClinVar (database versions not stated): gnomAD exomes below 0.00001.
gnomAD v4.1: 2 of 1,552,776 alleles (0.00013%); highest among the groups gnomAD compares: African/African-American, 0.0027%; no homozygotes.

Submission:

Labcorp Genetics (formerly Invitae), Labcorp
Classification: Uncertain significance. Last evaluated: 2022-04-24. Review status: criteria provided, single submitter. Criteria: Invitae Variant Classification Sherloc (09022015). Collection method: clinical testing. Allele origin: germline.
Comment: This sequence change affects codon 1749 of the SI mRNA. It is a 'silent' change, meaning that it does not change the encoded amino acid sequence of the SI protein. This variant also falls at the last nucleotide of exon 46, which is part of the consensus splice site for this exon. This variant is not present in population databases (gnomAD no frequency). This variant has not been reported in the literature in individuals affected with SI-related conditions. Variants that disrupt the consensus splice site are a relatively common cause of aberrant splicing (PMID: 17576681, 9536098). Algorithms developed to predict the effect of sequence changes on RNA splicing suggest that this variant may disrupt the consensus splice site. In summary, the available evidence is currently insufficient to determine the role of this variant in disease. Therefore, it has been classified as a Variant of Uncertain Significance.

Literature cited by the submitters: PubMed 17576681; PubMed 9536098.